The following is an entry in ClinVar:

NM_004655.4(AXIN2):c.1229C>T (p.Thr410Ile)

Gene: AXIN2 (axin 2; minus strand). Cytogenetic location: 17q24.1.
Variant type: single nucleotide variant.
Coding change: c.1229C>T on transcript NM_004655.4 (MANE Select); coding-DNA position 1229, C replaced by T.
Protein change: p.Thr410Ile; replaces threonine 410 with isoleucine.
Molecular consequence: missense variant.
Genome position (GRCh38, 1-based): chr17:65,537,807, G>A on the plus strand (C>T on the coding strand, the complement: AXIN2 is on the minus strand). VCF-style: chr17-65537807-G-A. GRCh37 (hg19) VCF-style: chr17-63533925-G-A.
Other names: c.1229C>T (LRG_296t1); c.1229C>T, p.Thr410Ile (NM_001363813.1); short protein forms T410I.
Identifiers: ClinVar variation 533228 (VCV000533228.10), dbSNP rs1555578117, ClinGen allele CA400677915.

ClinVar aggregate classification (germline): Uncertain significance. Review status: criteria provided, multiple submitters, no conflicts (2 of 4 stars). 3 submissions from 3 submitters: Uncertain significance (3). Last evaluated 2023-11-24.

Conditions:
Hereditary cancer-predisposing syndrome. Also called: Hereditary neoplastic syndrome; Neoplastic Syndromes, Hereditary; Tumor predisposition; Hereditary Cancer Syndrome. Identifiers: Orphanet 140162, MedGen C0027672, MeSH D009386, MONDO:0015356.
Colorectal cancer. Also called: Colorectal cancer, somatic; Malignant Colorectal Neoplasm. Identifiers: MedGen C0346629, MONDO:0005575, OMIM 114500.
Oligodontia-cancer predisposition syndrome. Also called: TOOTH AGENESIS-COLORECTAL CANCER SYNDROME. Identifiers: Orphanet 300576, MedGen C1837750, MONDO:0012075, OMIM 608615. Disease mechanism: loss of function.

Submissions (3):

Labcorp Genetics (formerly Invitae), Labcorp
Classification: Uncertain significance for Oligodontia-cancer predisposition syndrome. Last evaluated: 2023-11-24. Review status: criteria provided, single submitter. Criteria: Invitae Variant Classification Sherloc (09022015). Collection method: clinical testing. Allele origin: germline.
Comment: This sequence change replaces threonine, which is neutral and polar, with isoleucine, which is neutral and non-polar, at codon 410 of the AXIN2 protein (p.Thr410Ile). This variant is not present in population databases (gnomAD no frequency). This variant has not been reported in the literature in individuals affected with AXIN2-related conditions. ClinVar contains an entry for this variant (Variation ID: 533228). An algorithm developed to predict the effect of missense changes on protein structure and function (PolyPhen-2) suggests that this variant¬†is likely to be tolerated. In summary, the available evidence is currently insufficient to determine the role of this variant in disease. Therefore, it has been classified as a Variant of Uncertain Significance.

Baylor Genetics
Classification: Uncertain significance for Colorectal cancer. Last evaluated: 2023-08-30. Review status: criteria provided, single submitter. Criteria: ACMG Guidelines, 2015. Collection method: clinical testing. Allele origin: unknown.

Ambry Genetics
Classification: Uncertain significance for Hereditary cancer-predisposing syndrome. Last evaluated: 2023-01-05. Review status: criteria provided, single submitter. Criteria: Ambry Variant Classification Scheme 2023. Collection method: clinical testing. Allele origin: germline.
Comment: The p.T410I variant (also known as c.1229C>T), located in coding exon 5 of the AXIN2 gene, results from a C to T substitution at nucleotide position 1229. The threonine at codon 410 is replaced by isoleucine, an amino acid with similar properties. This amino acid position is conserved. In addition, this alteration is predicted to be tolerated by in silico analysis. Since supporting evidence is limited at this time, the clinical significance of this alteration remains unclear.